The following is an entry in ClinVar:

NM_001987.5(ETV6):c.472_473del (p.Val158fs)

Gene: ETV6 (ETS variant transcription factor 6; plus strand). Cytogenetic location: 12p13.2.
Variant type: Microsatellite.
Coding change: c.472_473del on transcript NM_001987.5 (MANE Select); coding-DNA positions 472 to 473, 2 bases deleted (GT; older notation c.472_473delGT).
Protein change: p.Val158fs; shifts the reading frame from valine 158.
Molecular consequence: frameshift variant.
Genome position (GRCh38, 1-based): chr12:11,869,432-11,869,433, GT deleted; deleting any 2 consecutive bases within chr12:11,869,429-11,869,433 gives the same sequence; the c. name uses the placement nearest the transcript's 3' end. VCF-style (leftmost placement, unchanged base first): chr12-11869428-CTG-C. GRCh37 (hg19) VCF-style: chr12-12022362-CTG-C.
Other names: c.472_473delGT (NM_001987.4); c.469_470del, p.Val157fs (NM_001413913.1); c.445_446del, p.Val149fs (NM_001413914.1); c.208_209del, p.Val70fs (NM_001413915.1); c.472_473del, p.Val158fs (NM_001413916.1, NM_001413917.1); c.470_471GT[1], p.Val158Profs (NM_001987.4); short protein forms V149fs, V70fs, V157fs, V158fs.
Identifiers: ClinVar variation 4618856 (VCV004618856.1).

ClinVar aggregate classification (germline): Pathogenic (1 of 4 stars; one submission).

Conditions:
Inborn genetic diseases. Identifiers: MedGen C0950123, MeSH D030342.

Submission:

Ambry Genetics
Classification: Pathogenic for Inborn genetic diseases. Last evaluated: 2025-10-17. Review status: criteria provided, single submitter. Criteria: Ambry Variant Classification Scheme 2023. Collection method: clinical testing. Allele origin: germline.
Comment: The c.472_473delGT pathogenic mutation, located in coding exon 5 of the ETV6 gene, results from a deletion of two nucleotides at nucleotide positions 472 to 473, causing a translational frameshift with a predicted alternate stop codon (p.V158Pfs*10). This variant is considered to be rare based on population cohorts in the Genome Aggregation Database (gnomAD). This alteration is expected to result in loss of function by premature protein truncation or nonsense-mediated mRNA decay. As such, this alteration is interpreted as a disease-causing mutation.